The following is an entry in ClinVar:

ClinVar aggregate classification (germline): Likely pathogenic (1 of 4 stars; one submission).

Conditions:
Autosomal recessive nonsyndromic hearing loss 2. Also called: NEUROSENSORY NONSYNDROMIC RECESSIVE DEAFNESS 2; DEAFNESS, AUTOSOMAL RECESSIVE 2. Identifiers: Orphanet 90636, MedGen C1838701, MONDO:0010807, OMIM 600060.

Submission:

Institute of Rare Diseases, West China Hospital, Sichuan University
Classification: Likely pathogenic for Autosomal recessive nonsyndromic hearing loss 2. Last evaluated: 2025-01-09. Review status: criteria provided, single submitter. Criteria: ClinGen HL ACMG Specifications v1. Collection method: research. Allele origin: germline. Affected: yes.
Comment: PVS1;PM2_Supporting

NM_000260.4(MYO7A):c.849_850insA (p.Gly284fs)

Gene: MYO7A (myosin VIIA; plus strand). Cytogenetic location: 11q13.5.
Variant type: Insertion.
Coding change: c.849_850insA on transcript NM_000260.4 (MANE Select); coding-DNA positions 849 to 850, A inserted.
Protein change: p.Gly284fs; shifts the reading frame from glycine 284.
Molecular consequence: frameshift variant.
Genome position: GRCh38 VCF-style: chr11-77158276-G-GA. GRCh37 (hg19) VCF-style: chr11-76869322-G-GA.
Other names: c.849_850insA, p.Gly284fs (NM_001127180.2); c.816_817insA, p.Gly273fs (NM_001369365.1); c.850-1_850insA (NM_000260.4); short protein forms G273fs, G284fs.
Identifiers: ClinVar variation 3601507 (VCV003601507.1).